The following is an entry in ClinVar:

NM_000553.6(WRN):c.4159A>G (p.Arg1387Gly)

Gene: WRN (WRN RecQ like helicase; plus strand). Cytogenetic location: 8p12.
Variant type: single nucleotide variant.
Coding change: c.4159A>G on transcript NM_000553.6 (MANE Select); coding-DNA position 4159, A replaced by G.
Protein change: p.Arg1387Gly; replaces arginine 1387 with glycine.
Molecular consequence: missense variant.
Genome position (GRCh38, 1-based): chr8:31,167,198, A>G. VCF-style: chr8-31167198-A-G. GRCh37 (hg19) VCF-style: chr8-31024714-A-G.
Other names: short protein forms R1387G.
Identifiers: ClinVar variation 858194 (VCV000858194.6), dbSNP rs930878657, ClinGen allele CA174886889.

ClinVar aggregate classification (germline): Uncertain significance (1 of 4 stars; one submission).

Conditions:
Werner syndrome (WRN). Identifiers: Orphanet 902, MedGen C0043119, MONDO:0010196, OMIM 277700.

Allele frequency attached by ClinVar (database versions not stated): gnomAD 0.00001; gnomAD exomes 0.00001; TOPMed 0.00001.
gnomAD v4.1: 17 of 1,613,110 alleles (0.0011%); highest among the groups gnomAD compares: Non-Finnish European, 0.0014%; no homozygotes.

Submission:

Labcorp Genetics (formerly Invitae), Labcorp
Classification: Uncertain significance for Werner syndrome. Last evaluated: 2024-03-01. Review status: criteria provided, single submitter. Criteria: Invitae Variant Classification Sherloc (09022015). Collection method: clinical testing. Allele origin: germline.
Comment: This sequence change replaces arginine, which is basic and polar, with glycine, which is neutral and non-polar, at codon 1387 of the WRN protein (p.Arg1387Gly). This variant is not present in population databases (gnomAD no frequency). This missense change has been observed in individual(s) with dyslipidemia (PMID: 32041611). ClinVar contains an entry for this variant (Variation ID: 858194). An algorithm developed to predict the effect of missense changes on protein structure and function (PolyPhen-2) suggests that this variant is likely to be tolerated. In summary, the available evidence is currently insufficient to determine the role of this variant in disease. Therefore, it has been classified as a Variant of Uncertain Significance.

Literature cited by the submitters: PubMed 32041611.